The following is an entry in ClinVar:

NM_000824.5(GLRB):c.250G>A (p.Val84Ile)

Gene: GLRB (glycine receptor beta; plus strand). Cytogenetic location: 4q32.1.
Variant type: single nucleotide variant.
Coding change: c.250G>A on transcript NM_000824.5 (MANE Select); coding-DNA position 250, G replaced by A.
Protein change: p.Val84Ile; replaces valine 84 with isoleucine.
Molecular consequence: missense variant.
Genome position (GRCh38, 1-based): chr4:157,122,350, G>A. VCF-style: chr4-157122350-G-A. GRCh37 (hg19) VCF-style: chr4-158043502-G-A.
Other names: c.250G>A, p.Val84Ile (NM_001166060.2, NM_001166061.2); short protein forms V84I.
Identifiers: ClinVar variation 1418617 (VCV001418617.5), dbSNP rs1223991119, ClinGen allele CA358641881.

ClinVar aggregate classification (germline): Uncertain significance (1 of 4 stars; one submission).

Conditions:
Hyperekplexia 2 (HKPX2). Identifiers: Orphanet 3197, MedGen C3553291, MONDO:0013828, OMIM 614619.

Allele frequency attached by ClinVar (database versions not stated): gnomAD exomes below 0.00001 and 0.00001; gnomAD 0.00001; TOPMed 0.00001.

Submission:

Labcorp Genetics (formerly Invitae), Labcorp
Classification: Uncertain significance for Hyperekplexia 2. Last evaluated: 2021-08-27. Review status: criteria provided, single submitter. Criteria: Invitae Variant Classification Sherloc (09022015). Collection method: clinical testing. Allele origin: germline.
Comment: This sequence change replaces valine with isoleucine at codon 84 of the GLRB protein (p.Val84Ile). The valine residue is highly conserved and there is a small physicochemical difference between valine and isoleucine. This variant is not present in population databases (ExAC no frequency). This variant has not been reported in the literature in individuals affected with GLRB-related conditions. Advanced modeling of protein sequence and biophysical properties (such as structural, functional, and spatial information, amino acid conservation, physicochemical variation, residue mobility, and thermodynamic stability) performed at Invitae indicates that this missense variant is not expected to disrupt GLRB protein function. In summary, the available evidence is currently insufficient to determine the role of this variant in disease. Therefore, it has been classified as a Variant of Uncertain Significance.